The following is an entry in ClinVar:

ClinVar aggregate classification (germline): Uncertain significance (1 of 4 stars; one submission).

Conditions:
Hereditary cancer-predisposing syndrome. Also called: Neoplastic Syndromes, Hereditary; Tumor predisposition; Hereditary Cancer Syndrome; Hereditary neoplastic syndrome. Identifiers: Orphanet 140162, MedGen C0027672, MeSH D009386, MONDO:0015356.

Submission:

Ambry Genetics
Classification: Uncertain significance for Hereditary cancer-predisposing syndrome. Last evaluated: 2022-06-09. Review status: criteria provided, single submitter. Criteria: Ambry Variant Classification Scheme 2023. Collection method: clinical testing. Allele origin: germline.
Comment: The p.T1303I variant (also known as c.3908C>T), located in coding exon 25 of the ATM gene, results from a C to T substitution at nucleotide position 3908. The threonine at codon 1303 is replaced by isoleucine, an amino acid with similar properties. This amino acid position is not well conserved in available vertebrate species. In addition, this alteration is predicted to be tolerated by in silico analysis. Since supporting evidence is limited at this time, the clinical significance of this alteration remains unclear.

NM_000051.4(ATM):c.3908C>T (p.Thr1303Ile)

Gene: ATM (ATM serine/threonine kinase; plus strand). Cytogenetic location: 11q22.3.
Variant type: single nucleotide variant.
Coding change: c.3908C>T on transcript NM_000051.4 (MANE Select); coding-DNA position 3908, C replaced by T.
Protein change: p.Thr1303Ile; replaces threonine 1303 with isoleucine.
Molecular consequence: missense variant.
Genome position (GRCh38, 1-based): chr11:108,284,388, C>T. VCF-style: chr11-108284388-C-T. GRCh37 (hg19) VCF-style: chr11-108155115-C-T.
Other names: c.3908C>T, p.Thr1303Ile (NM_001351834.2); short protein forms T1303I.
Identifiers: ClinVar variation 1736075 (VCV001736075.2), dbSNP rs2135708145, ClinGen allele CA382525697.